The following is an entry in ClinVar:

ClinVar aggregate classification (germline): Pathogenic (1 of 4 stars; one submission).

Conditions:
Glycine encephalopathy. Also called: Nonketotic hyperglycinemia; Non-ketotic hyperglycinemia. Identifiers: Orphanet 407, MedGen C0751748, MONDO:0011612, HP:0008288.

Submission:

Labcorp Genetics (formerly Invitae), Labcorp
Classification: Pathogenic for Glycine encephalopathy. Last evaluated: 2022-09-05. Review status: criteria provided, single submitter. Criteria: Invitae Variant Classification Sherloc (09022015). Collection method: clinical testing. Allele origin: germline.
Comment: This sequence change creates a premature translational stop signal (p.Gly322Valfs*4) in the AMT gene. It is expected to result in an absent or disrupted protein product. Loss-of-function variants in AMT are known to be pathogenic (PMID: 16450403). This variant is not present in population databases (gnomAD no frequency). This variant has not been reported in the literature in individuals affected with AMT-related conditions. For these reasons, this variant has been classified as Pathogenic.

Literature cited by the submitters: PubMed 16450403.

NM_000481.4(AMT):c.965_966del (p.Gly322fs)

Gene: AMT (aminomethyltransferase; minus strand). Cytogenetic location: 3p21.31.
Variant type: Deletion.
Coding change: c.965_966del on transcript NM_000481.4 (MANE Select); coding-DNA positions 965 to 966, 2 bases deleted (GG; older notation c.965_966delGG).
Protein change: p.Gly322fs; shifts the reading frame from glycine 322.
Molecular consequence: frameshift variant. On other transcripts: non-coding transcript variant (1).
Genome position (GRCh38, 1-based): chr3:49,417,885-49,417,886, CC deleted on the plus strand (GG on the coding strand, the reverse complement: AMT is on the minus strand); deleting any 2 consecutive bases within chr3:49,417,885-49,417,888 gives the same sequence; the c. name uses the placement nearest the transcript's 3' end. VCF-style (leftmost placement, unchanged base first): chr3-49417884-ACC-A. GRCh37 (hg19) VCF-style: chr3-49455317-ACC-A.
Other names: c.833_834del, p.Gly278fs (NM_001164710.2); c.797_798del, p.Gly266fs (NM_001164711.2); c.965_966del, p.Gly322fs (NM_001164712.2); short protein forms G278fs, G266fs, G322fs.
Identifiers: ClinVar variation 1983641 (VCV001983641.4), dbSNP rs2049026547, ClinGen allele CA1363479577.